The following is an entry in ClinVar:

NM_000493.4(COL10A1):c.1073C>T (p.Pro358Leu)

Genes: COL10A1 (collagen type X alpha 1 chain; minus strand), NT5DC1 (5'-nucleotidase domain containing 1; plus strand). Cytogenetic location: 6q22.1.
Variant type: single nucleotide variant.
Coding change: c.1073C>T on transcript NM_000493.4 (MANE Select); coding-DNA position 1073, C replaced by T.
Protein change: p.Pro358Leu; replaces proline 358 with leucine.
Molecular consequence: missense variant. On other transcripts: intron variant (1).
Genome position (GRCh38, 1-based): chr6:116,121,043, G>A on the plus strand (C>T on the coding strand, the complement: COL10A1 is on the minus strand). VCF-style: chr6-116121043-G-A. GRCh37 (hg19) VCF-style: chr6-116442206-G-A.
Other names: c.529+3098G>A (NM_152729.3); c.1073C>T, p.Pro358Leu (NM_001424106.1, NM_001424107.1); short protein forms P358L.
Identifiers: ClinVar variation 355099 (VCV000355099.10), dbSNP rs372281591, ClinGen allele CA3968260.

ClinVar aggregate classification (germline): Uncertain significance. Review status: criteria provided, multiple submitters, no conflicts (2 of 4 stars). 3 submissions from 3 submitters: Uncertain significance (3). Last evaluated 2025-08-04.

Conditions:
Inborn genetic diseases. Identifiers: MedGen C0950123, MeSH D030342.
Metaphyseal chondrodysplasia, Schmid type (MCDS). Also called: SPONDYLOMETAPHYSEAL DYSPLASIA, JAPANESE TYPE. Identifiers: Orphanet 174, MedGen C0265289, MONDO:0007983, OMIM 156500.

Allele frequency attached by ClinVar (database versions not stated): ExAC 0.00001; gnomAD 0.00001; gnomAD exomes 0.00001; TOPMed 0.00001; ESP Exome Variant Server 0.00008.
gnomAD v4.1: 20 of 1,613,962 alleles (0.0012%); highest among the groups gnomAD compares: Non-Finnish European, 0.0017%; no homozygotes.

Submissions (3):

Ambry Genetics
Classification: Uncertain significance for Inborn genetic diseases. Last evaluated: 2025-08-04. Review status: criteria provided, single submitter. Criteria: Ambry Variant Classification Scheme 2023. Collection method: clinical testing. Allele origin: germline.

Labcorp Genetics (formerly Invitae), Labcorp
Classification: Uncertain significance. Last evaluated: 2023-03-17. Review status: criteria provided, single submitter. Criteria: Invitae Variant Classification Sherloc (09022015). Collection method: clinical testing. Allele origin: germline.
Comment: This variant has not been reported in the literature in individuals affected with COL10A1-related conditions. In summary, the available evidence is currently insufficient to determine the role of this variant in disease. Therefore, it has been classified as a Variant of Uncertain Significance. Advanced modeling of protein sequence and biophysical properties (such as structural, functional, and spatial information, amino acid conservation, physicochemical variation, residue mobility, and thermodynamic stability) performed at Invitae indicates that this missense variant is not expected to disrupt COL10A1 protein function. ClinVar contains an entry for this variant (Variation ID: 355099). This variant is present in population databases (rs372281591, gnomAD 0.002%). This sequence change replaces proline, which is neutral and non-polar, with leucine, which is neutral and non-polar, at codon 358 of the COL10A1 protein (p.Pro358Leu).

Illumina Laboratory Services, Illumina
Classification: Uncertain significance for Metaphyseal chondrodysplasia, Schmid type. Last evaluated: 2018-01-13. Review status: criteria provided, single submitter. Criteria: ICSL Variant Classification Criteria 13 December 2019. Collection method: clinical testing. Allele origin: germline.